The following is an entry in ClinVar:

NM_001136157.2(OTUD5):c.234T>A (p.Leu78=)

Gene: OTUD5 (OTU deubiquitinase 5; minus strand). Cytogenetic location: Xp11.23.
Variant type: single nucleotide variant.
Coding change: c.234T>A on transcript NM_001136157.2 (MANE Select); coding-DNA position 234, T replaced by A.
Protein change: p.Leu78=; no amino-acid change (leucine 78 retained).
Molecular consequence: synonymous variant. On other transcripts: intron variant (1).
Genome position (GRCh38, 1-based): chrX:48,957,337, A>T on the plus strand (T>A on the coding strand, the complement: OTUD5 is on the minus strand). VCF-style: chrX-48957337-A-T. GRCh37 (hg19) VCF-style: chrX-48814599-A-T.
Other names: c.234T>A, p.Leu78= (NM_001136158.2, NM_017602.4); c.-58+895T>A (NM_001136159.2).
Identifiers: ClinVar variation 3905906 (VCV003905906.10).

ClinVar aggregate classification (germline): Likely benign (1 of 4 stars; one submission).

gnomAD v4.1: 2 of 1,132,345 alleles (0.00018%); no homozygotes.

Submission:

CeGaT Center for Human Genetics Tuebingen
Classification: Likely benign. Last evaluated: 2025-05-01. Review status: criteria provided, single submitter. Criteria: CeGaT Center For Human Genetics Tuebingen Variant Classification Criteria Version 2. Collection method: clinical testing. Allele origin: germline. Affected: yes. Observed: 1 variant allele.
Comment: OTUD5: BP4, BP7